The following is an entry in ClinVar:

ClinVar aggregate classification (germline): Pathogenic/Likely pathogenic. Review status: criteria provided, multiple submitters, no conflicts (2 of 4 stars). 3 submissions from 3 submitters: Pathogenic (2); Likely pathogenic (1). Last evaluated 2026-03-25.

Conditions:
Hereditary diffuse gastric adenocarcinoma (HDGC). Also called: DIFFUSE GASTRIC AND LOBULAR BREAST CANCER SYNDROME. Identifiers: Orphanet 26106, MedGen C1708349, MONDO:0007648, OMIM 137215.
Hereditary cancer-predisposing syndrome. Also called: Tumor predisposition; Hereditary Cancer Syndrome; Neoplastic Syndromes, Hereditary; Hereditary neoplastic syndrome. Identifiers: Orphanet 140162, MedGen C0027672, MeSH D009386, MONDO:0015356.

Submissions (3):

Ambry Genetics
Classification: Pathogenic for Hereditary cancer-predisposing syndrome. Last evaluated: 2026-03-25. Review status: criteria provided, single submitter. Criteria: Ambry Variant Classification Scheme 2023. Collection method: clinical testing. Allele origin: germline.
Comment: The c.2165-2A>G intronic pathogenic mutation results from an A to G substitution two nucleotides before coding exon 14 in the CDH1 gene. Other variant(s) impacting the same acceptor site (c.2165-1G>C, c.2165-1G>A) have been identified in individual(s) with features consistent with CDH1-related diffuse gastric and lobular breast cancer (Ambry internal data). This variant is considered to be rare based on population cohorts in the Genome Aggregation Database (gnomAD). This nucleotide position is highly conserved in available vertebrate species. In silico splice site analysis predicts that this alteration will weaken the native splice acceptor site and may result in the creation or strengthening of a novel splice acceptor site; however, direct evidence is insufficient at this time (Ambry internal data). Alterations that disrupt the canonical splice site are expected to cause aberrant splicing, resulting in an abnormal protein or a transcript that is subject to nonsense-mediated mRNA decay. As such, this variant is classified as a disease-causing mutation.

Labcorp Genetics (formerly Invitae), Labcorp
Classification: Pathogenic for Hereditary diffuse gastric adenocarcinoma. Last evaluated: 2025-01-15. Review status: criteria provided, single submitter. Criteria: Invitae Variant Classification Sherloc (09022015). Collection method: clinical testing. Allele origin: germline.
Comment: This sequence change affects an acceptor splice site in intron 13 of the CDH1 gene. RNA analysis indicates that disruption of this splice site induces altered splicing and may result in an absent or altered protein product. This variant is not present in population databases (gnomAD no frequency). Disruption of this splice site has been observed in individual(s) with gastric cancer (PMID: 34949788). ClinVar contains an entry for this variant (Variation ID: 645494). Studies have shown that disruption of this splice site results in activation of a cryptic splice site, and produces a non-functional protein and/or introduces a premature termination codon (internal data). For these reasons, this variant has been classified as Pathogenic.

Myriad Genetics, Inc.
Classification: Likely pathogenic for Hereditary diffuse gastric adenocarcinoma. Last evaluated: 2023-06-15. Review status: criteria provided, single submitter. Criteria: Myriad Autosomal Dominant, Autosomal Recessive and X-Linked Classification Criteria (2023). Collection method: clinical testing. Allele origin: unknown.
Comment: This variant is considered likely pathogenic. This variant occurs within a consensus splice junction and is predicted to result in abnormal mRNA splicing of either an out-of-frame exon or an in-frame exon necessary for protein stability and/or normal function.

Literature cited by the submitters: PubMed 34949788 (cited by Labcorp Genetics (formerly Invitae), Labcorp).

NM_004360.5(CDH1):c.2165-2A>G

Gene: CDH1 (cadherin 1; plus strand). Cytogenetic location: 16q22.1.
Variant type: single nucleotide variant.
Coding change: c.2165-2A>G on transcript NM_004360.5 (MANE Select); the canonical splice acceptor site of the intron before coding-DNA position 2165, A replaced by G.
Molecular consequence: splice acceptor variant.
Genome position (GRCh38, 1-based): chr16:68,828,172, A>G. VCF-style: chr16-68828172-A-G. GRCh37 (hg19) VCF-style: chr16-68862075-A-G.
Other names: c.617-2A>G (NM_001317185.2); c.200-2A>G (NM_001317186.2); c.1982-2A>G (NM_001317184.2).
Identifiers: ClinVar variation 645494 (VCV000645494.12), dbSNP rs1596970624, ClinGen allele CA396469197.